The following is an entry in ClinVar:

NM_000297.4(PKD2):c.2747G>A (p.Trp916Ter)

Gene: PKD2 (polycystin 2, transient receptor potential cation channel; plus strand). Cytogenetic location: 4q22.1.
Variant type: single nucleotide variant.
Coding change: c.2747G>A on transcript NM_000297.4 (MANE Select); coding-DNA position 2747, G replaced by A.
Protein change: p.Trp916Ter; replaces tryptophan 916 with a stop codon.
Molecular consequence: nonsense. On other transcripts: non-coding transcript variant (1).
Genome position (GRCh38, 1-based): chr4:88,075,534, G>A. VCF-style: chr4-88075534-G-A. GRCh37 (hg19) VCF-style: chr4-88996686-G-A.
Other names: c.2522G>A, p.Trp841Ter (NM_001440544.1); short protein forms W841*, W916*.
Identifiers: ClinVar variation 4531958 (VCV004531958.1).
Genomic context (GRCh38, chr4:88,075,534, plus strand): 5'-GTGACAGTGAAATCCATAGGGAACAGATGGAACGGCTAGTACGTGAAGAGTTGGAACGCT[G>A]GGAATCCGATGATGCAGCTTCCCAGATCAGTCATGGTTTAGGCACGCCAGTGGGACTAAA-3'

ClinVar aggregate classification (germline): Uncertain significance (1 of 4 stars; one submission).

Conditions:
Polycystic kidney disease 2 (PKD2). Also called: POLYCYSTIC KIDNEY DISEASE, ADULT, TYPE II; Polycystic Kidney Disease 2, Autosomal Dominant; POLYCYSTIC KIDNEY DISEASE 2 WITH OR WITHOUT POLYCYSTIC LIVER DISEASE. Identifiers: MedGen C2751306, MONDO:0013131, OMIM 613095.

Submission:

Victorian Clinical Genetics Services, Murdoch Childrens Research Institute
Classification: Uncertain significance for Polycystic kidney disease 2. Last evaluated: 2024-12-30. Review status: criteria provided, single submitter. Criteria: ACMG Guidelines, 2015. Collection method: clinical testing. Allele origin: germline. Affected: yes.
Comment: This variant is classified as VUS-3A. Evidence in support of pathogenic classification: Variant is predicted to result in a truncated protein (premature termination codon is NOT located at least 54 nucleotides upstream of the final exon-exon junction) with less than 1/3 of the protein sequence affected; Variant is absent from gnomAD (v2, v3 and v4). Additional information: This variant is heterozygous; This gene is associated with autosomal dominant disease; This variant has no previous evidence of pathogenicity; No published segregation evidence has been identified for this variant; No published functional evidence has been identified for this variant; Another truncating variant comparable to the one identified in this case has conflicting previous evidence for pathogenicity. The p.(Gln924*) variant has been classified as pathogenic by a diagnostic laboratory in ClinVar, and has been reported in the literature in an individual with intracranial aneurysms without renal disease (PMID: 27567292); Inheritance information for this variant is not currently available in this individual.

Literature cited by the submitters: PubMed 27567292.